The following is an entry in ClinVar:

NM_006005.3(WFS1):c.869A>C (p.Lys290Thr)

Gene: WFS1 (wolframin ER transmembrane glycoprotein; plus strand). Cytogenetic location: 4p16.1.
Variant type: single nucleotide variant.
Coding change: c.869A>C on transcript NM_006005.3 (MANE Select); coding-DNA position 869, A replaced by C.
Protein change: p.Lys290Thr; replaces lysine 290 with threonine.
Molecular consequence: missense variant.
Genome position (GRCh38, 1-based): chr4:6,300,664, A>C. VCF-style: chr4-6300664-A-C. GRCh37 (hg19) VCF-style: chr4-6302391-A-C.
Other names: c.869A>C, p.Lys290Thr (NM_001145853.1); short protein forms K290T.
Identifiers: ClinVar variation 3342991 (VCV003342991.1).

ClinVar aggregate classification (germline): Uncertain significance (1 of 4 stars; one submission).

gnomAD v4.1: 3 of 1,613,976 alleles (0.00019%); highest among the groups gnomAD compares: South Asian, 0.0011%; no homozygotes.

Submission:

GeneDx
Classification: Uncertain significance. Last evaluated: 2023-04-06. Review status: criteria provided, single submitter. Criteria: GeneDx Variant Classification Process June 2021. Collection method: clinical testing. Allele origin: germline. Affected: yes.
Comment: Not observed at significant frequency in large population cohorts (gnomAD); In silico analysis supports that this missense variant does not alter protein structure/function; Has not been previously reported as pathogenic or benign to our knowledge